The following is an entry in ClinVar:

ClinVar aggregate classification (germline): Uncertain significance. Review status: criteria provided, multiple submitters, no conflicts (2 of 4 stars). 2 submissions from 2 submitters: Uncertain significance (2). Last evaluated 2023-01-17.

Conditions:
Acrocallosal syndrome (ACLS). Also called: Schinzel syndrome 1; Absence of corpus callosum with unusual facial appearance, mental deficiency, duplication of the halluces and polydactyly; HALLUX DUPLICATION, POSTAXIAL POLYDACTYLY, AND ABSENCE OF CORPUS CALLOSUM. Identifiers: Orphanet 36, MedGen C0796147, MONDO:0008708, OMIM 200990.

gnomAD v4.1: 8 of 1,610,246 alleles (0.0005%); highest among the groups gnomAD compares: Admixed American, 0.005%; no homozygotes.

Submissions (2):

GeneDx
Classification: Uncertain significance. Last evaluated: 2023-01-17. Review status: criteria provided, single submitter. Criteria: GeneDx Variant Classification Process June 2021. Collection method: clinical testing. Allele origin: germline. Affected: yes.
Comment: Not observed at significant frequency in large population cohorts (gnomAD); In silico analysis supports that this missense variant has a deleterious effect on protein structure/function; Has not been previously published as pathogenic or benign to our knowledge

Labcorp Genetics (formerly Invitae), Labcorp
Classification: Uncertain significance for Acrocallosal syndrome. Last evaluated: 2022-08-16. Review status: criteria provided, single submitter. Criteria: Invitae Variant Classification Sherloc (09022015). Collection method: clinical testing. Allele origin: germline.
Comment: This sequence change replaces arginine, which is basic and polar, with proline, which is neutral and non-polar, at codon 782 of the KIF7 protein (p.Arg782Pro). This variant is present in population databases (rs749948143, gnomAD 0.01%). This variant has not been reported in the literature in individuals affected with KIF7-related conditions. ClinVar contains an entry for this variant (Variation ID: 1380095). Algorithms developed to predict the effect of missense changes on protein structure and function are either unavailable or do not agree on the potential impact of this missense change (SIFT: "Deleterious"; PolyPhen-2: "Possibly Damaging"; Align-GVGD: "Class C0"). In summary, the available evidence is currently insufficient to determine the role of this variant in disease. Therefore, it has been classified as a Variant of Uncertain Significance.

NM_198525.3(KIF7):c.2345G>C (p.Arg782Pro)

Gene: KIF7 (kinesin family member 7; minus strand). Cytogenetic location: 15q26.1.
Variant type: single nucleotide variant.
Coding change: c.2345G>C on transcript NM_198525.3 (MANE Select); coding-DNA position 2345, G replaced by C.
Protein change: p.Arg782Pro; replaces arginine 782 with proline.
Molecular consequence: missense variant.
Genome position (GRCh38, 1-based): chr15:89,642,252, C>G on the plus strand (G>C on the coding strand, the complement: KIF7 is on the minus strand). VCF-style: chr15-89642252-C-G. GRCh37 (hg19) VCF-style: chr15-90185483-C-G.
Other names: c.2345G>C (NM_198525.2); short protein forms R782P.
Identifiers: ClinVar variation 1380095 (VCV001380095.3), dbSNP rs749948143, ClinGen allele CA7728227.
Genomic context (GRCh38, chr15:89,642,252, plus strand): 5'-CCGAGACTAACCTGCACCTGGCTCTGGGCCGCAGCGACCCTCCTGCGGAACTCCTGGAGC[C>G]GAGACCGCTCGCCAGCATCCTGGAGCTCCTTGCCCTCGAGCTCCCGCAGCTGCCTCTGGC-3'
Protein context (NP_940927.2, residues 772-792): KELQDAGERS[Arg782Pro]LQEFRRRVAA